The following is an entry in ClinVar:

ClinVar aggregate classification (germline): Uncertain significance (1 of 4 stars; one submission).

Conditions:
Ehlers-Danlos syndrome, kyphoscoliotic type 1 (EDSKSCL1). Also called: EHLERS-DANLOS SYNDROME, OCULAR-SCOLIOTIC TYPE; EHLERS-DANLOS SYNDROME, TYPE VIA; PLOD1-Related Kyphoscoliotic Ehlers-Danlos Syndrome; Ehlers-Danlos syndrome, hydroxylysine-deficient. Identifiers: Orphanet 1900, MedGen C0268342, MONDO:0016002, OMIM 225400. Disease mechanism: loss of function.

Allele frequency attached by ClinVar (database versions not stated): gnomAD exomes below 0.00001; TOPMed below 0.00001.
gnomAD v4.1: 1 of 1,358,554 alleles (0.000074%); highest among the groups gnomAD compares: Non-Finnish European, 0.000098%; no homozygotes.

Submission:

ARUP Laboratories, Molecular Genetics and Genomics, ARUP Laboratories
Classification: Uncertain significance for Ehlers-Danlos syndrome, kyphoscoliotic type 1. Last evaluated: 2020-05-01. Review status: criteria provided, single submitter. Criteria: ARUP Molecular Germline Variant Investigation Process. Collection method: clinical testing. Allele origin: germline.
Comment: The PLOD1 c.128T>C; p.Leu43Pro variant in the alternate transcript NM_001316320.1, also known as c.77-3403T>C in transcript NM_000302.3, is not reported in the medical literature or gene-specific databases, to our knowledge. This variant is absent from general population databases (Exome Variant Server, Genome Aggregation Database), indicating it is not a common polymorphism. The leucine at codon 43 is weakly conserved but computational analyses (SIFT: damaging, PolyPhen-2: benign) predict conflicting effects of this variant on protein structure/function. However, this variant occurs in a weakly conserved exon that is expressed at low levels in the Genotype-Tissue Expression (GTEx) database (see link), suggesting it may not occur in physiologically relevant transcript. Nonetheless, due to limited information, the clinical significance of the p.Leu43Pro variant is uncertain at this time. References: Link to PLOD1 in GTEx Portal

NM_000302.4(PLOD1):c.77-3403T>C

Genes: PLOD1 (procollagen-lysine,2-oxoglutarate 5-dioxygenase 1; plus strand), LOC112577486 (Sharpr-MPRA regulatory region 8260; plus strand). Cytogenetic location: 1p36.22.
Variant type: single nucleotide variant.
Coding change: c.77-3403T>C on transcript NM_000302.4 (MANE Select); 3403 bases into the intron before coding-DNA position 77, T replaced by C.
Molecular consequence: intron variant. On other transcripts: missense variant (1).
Genome position (GRCh38, 1-based): chr1:11,944,573, T>C. VCF-style: chr1-11944573-T-C. GRCh37 (hg19) VCF-style: chr1-12004630-T-C.
Other names: c.128T>C, p.Leu43Pro (NM_001316320.2); short protein forms L43P.
Identifiers: ClinVar variation 994332 (VCV000994332.8), dbSNP rs1645637106, ClinGen allele CA338424615.